The following is an entry in ClinVar:

NM_001244008.2(KIF1A):c.5087G>A (p.Arg1696His)

Gene: KIF1A (kinesin family member 1A; minus strand). Cytogenetic location: 2q37.3.
Variant type: single nucleotide variant.
Coding change: c.5087G>A on transcript NM_001244008.2 (MANE Select); coding-DNA position 5087, G replaced by A.
Protein change: p.Arg1696His; replaces arginine 1696 with histidine.
Molecular consequence: missense variant.
Genome position (GRCh38, 1-based): chr2:240,719,133, C>T on the plus strand (G>A on the coding strand, the complement: KIF1A is on the minus strand). VCF-style: chr2-240719133-C-T. GRCh37 (hg19) VCF-style: chr2-241658550-C-T.
Other names: c.4811G>A, p.Arg1604His (NM_001320705.2, NM_001379649.1); c.4838G>A, p.Arg1613His (NM_001330289.2); c.4886G>A, p.Arg1629His (NM_001330290.2, NM_001379648.1); c.5162G>A, p.Arg1721His (NM_001379631.1); c.5063G>A, p.Arg1688His (NM_001379632.1); c.5060G>A, p.Arg1687His (NM_001379633.1, NM_001379645.1); c.4913G>A, p.Arg1638His (NM_001379634.1); c.4910G>A, p.Arg1637His (NM_001379635.1, NM_001379646.1); and 8 more; short protein forms R1595H, R1696H, R1613H, R1629H, R1604H, R1594H, R1603H, R1612H.
Identifiers: ClinVar variation 377000 (VCV000377000.20), dbSNP rs756912340, ClinGen allele CA2207179.

ClinVar aggregate classification (germline): Conflicting classifications of pathogenicity. Review status: criteria provided, conflicting classifications (1 of 4 stars). 7 submissions from 7 submitters: Uncertain significance (6); Benign (1). Last evaluated 2026-08-18.

Conditions:
Intellectual disability, autosomal dominant 9 (NESCAVS). Also called: NESCAV SYNDROME; KIF1A-Related Neurodevelopmental Disorder. Identifiers: Orphanet 662367, MedGen C5393830, MONDO:0013656, OMIM 614255.
Neuropathy, hereditary sensory, type 2C. Also called: Hereditary sensory and autonomic neuropathy type IIC; KIF1A-Related HSAN2 (HSAN2C). Identifiers: Orphanet 970, MedGen C3280168, MONDO:0013634, OMIM 614213.
Hereditary spastic paraplegia 30. Identifiers: Orphanet 101010, MedGen C5235139, MONDO:0012476.
Neuropathy, hereditary sensory and autonomic, type 2A (HSAN2A). Also called: ACROOSTEOLYSIS, GIACCAI TYPE; ACROOSTEOLYSIS, NEUROGENIC; WNK1-Related HSAN2 (HSAN2A); HSAN IIA; MORVAN DISEASE; NEUROPATHY, CONGENITAL SENSORY. Identifiers: Orphanet 970, MedGen C2752089, MONDO:0024309, OMIM 201300.
KIF1A-related disorder. Also called: KIF1A-related disorders; KIF1A-related condition.
Inborn genetic diseases. Identifiers: MedGen C0950123, MeSH D030342.

Allele frequency attached by ClinVar (database versions not stated): ExAC 0.00004; gnomAD exomes 0.00004; TOPMed 0.00006; gnomAD 0.00007.
gnomAD v4.1: 126 of 1,612,412 alleles (0.0078%); highest among the groups gnomAD compares: Middle Eastern, 0.016%; no homozygotes.

Submissions (7):

PreventionGenetics, part of Exact Sciences
Classification: Uncertain significance for KIF1A-related condition. Last evaluated: 2026-08-18. Review status: criteria provided, single submitter. Criteria: ACMG Guidelines, 2015. Collection method: clinical testing. Allele origin: germline.
Comment: The KIF1A c.5087G>A variant is predicted to result in the amino acid substitution p.Arg1696His. To our knowledge, this variant has not been reported in the literature. This variant is reported in 0.012% of alleles in individuals of African descent in gnomAD. At this time, the clinical significance of this variant is uncertain due to the absence of conclusive functional and genetic evidence.

Women's Health and Genetics/Laboratory Corporation of America, LabCorp
Classification: Uncertain significance. Last evaluated: 2026-02-27. Review status: criteria provided, single submitter. Criteria: LabCorp Variant Classification Summary - May 2015. Collection method: clinical testing. Allele origin: germline.
Comment: Variant summary: KIF1A c.4784G>A (p.Arg1595His) results in a non-conservative amino acid change located in the Pleckstrin homology domain (IPR001849) of the encoded protein sequence. Algorithms developed to predict the effect of missense changes on protein structure and function are either unavailable or do not agree on the potential impact of this missense change. The variant allele was found at a frequency of 7.8e-05 in 1605418 control chromosomes, predominantly at a frequency of 9.7e-05 within the Non-Finnish European subpopulation in the gnomAD database. This frequency is not significantly higher than estimated for disease-causing variants in KIF1A, allowing no conclusion about variant significance. To our knowledge, no occurrence of c.4784G>A in individuals affected with KIF1A-related conditions and no experimental evidence demonstrating its impact on protein function have been reported. The following publication have been ascertained in the context of this evaluation (PMID: 36284339). ClinVar contains an entry for this variant (Variation ID: 377000). Based on the evidence outlined above, the variant was classified as uncertain significance.

Labcorp Genetics (formerly Invitae), Labcorp
Classification: Benign for Hereditary spastic paraplegia 30; Neuropathy, hereditary sensory, type 2C; Intellectual disability, autosomal dominant 9. Last evaluated: 2025-12-19. Review status: criteria provided, single submitter. Criteria: Invitae Variant Classification Sherloc (09022015). Collection method: clinical testing. Allele origin: germline.

GeneDx
Classification: Uncertain significance. Last evaluated: 2024-05-12. Review status: criteria provided, single submitter. Criteria: GeneDx Variant Classification Process June 2021. Collection method: clinical testing. Allele origin: germline. Affected: yes.
Comment: Has not been previously published as pathogenic or benign to our knowledge; In silico analysis supports that this missense variant has a deleterious effect on protein structure/function; This variant is associated with the following publications: (PMID: 26125038, 21820098, 21376300)

Ambry Genetics
Classification: Uncertain significance for Inborn genetic diseases. Last evaluated: 2019-06-28. Review status: criteria provided, single submitter. Criteria: Ambry Variant Classification Scheme 2023. Collection method: clinical testing. Allele origin: germline.
Comment: The p.R1595H variant (also known as c.4784G>A), located in coding exon 44 of the KIF1A gene, results from a G to A substitution at nucleotide position 4784. The arginine at codon 1595 is replaced by histidine, an amino acid with highly similar properties. This amino acid position is highly conserved in available vertebrate species. In addition, the in silico prediction for this alteration is inconclusive. Since supporting evidence is limited at this time, the clinical significance of this alteration remains unclear.

Fulgent Genetics
Classification: Uncertain significance for Neuropathy, hereditary sensory and autonomic, type 2A; Spastic paraplegia 30A, autosomal dominant; Neuropathy, hereditary sensory, type 2C; Intellectual disability, autosomal dominant 9. Last evaluated: 2018-10-31. Review status: criteria provided, single submitter. Criteria: ACMG Guidelines, 2015. Collection method: clinical testing. Allele origin: unknown.

Center for Pediatric Genomic Medicine, Children's Mercy Hospital and Clinics
Classification: Uncertain significance. Last evaluated: 2016-10-17. Review status: criteria provided, single submitter. Criteria: ACMG Guidelines, 2015. Collection method: clinical testing. Allele origin: germline.
ClinVar note: Converted during submission from Uncertain Significance to Uncertain significance.

Literature cited by the submitters: PubMed 36284339 (cited by Women's Health and Genetics/Laboratory Corporation of America, LabCorp).